The following is an entry in ClinVar:

NM_020297.4(ABCC9):c.2424+78G>A

Gene: ABCC9 (ATP binding cassette subfamily C member 9; minus strand). Cytogenetic location: 12p12.1.
Variant type: single nucleotide variant.
Coding change: c.2424+78G>A on transcript NM_020297.4 (MANE Select); 78 bases into the intron after coding-DNA position 2424, G replaced by A.
Molecular consequence: intron variant.
Genome position (GRCh38, 1-based): chr12:21,860,893, C>T on the plus strand (G>A on the coding strand, the complement: ABCC9 is on the minus strand). VCF-style: chr12-21860893-C-T. GRCh37 (hg19) VCF-style: chr12-22013827-C-T.
Other names: c.1557+78G>A (NM_001377274.1); c.2424+78G>A (NM_005691.4, NM_001377273.1).
Identifiers: ClinVar variation 675958 (VCV000675958.1), dbSNP rs183020572, ClinGen allele CA233604765.
Genomic context (GRCh38, chr12:21,860,893, plus strand): 5'-GTTTTCTGGAACTTCTTACTGGGACAACATACAACTCCTAAGCTCTCAAATTTCATGATT[C>T]TCTATTAAAGATTAAAGACAACCAGAAGACTTTTCTAGATTTTTGTTCATTGCTTAATGA-3'

ClinVar aggregate classification (germline): Likely benign (1 of 4 stars; one submission).

Allele frequency attached by ClinVar (database versions not stated): TOPMed 0.00028; 1000 Genomes Project 0.00060; 1000 Genomes Project 30x 0.00062; gnomAD exomes 0.00092; gnomAD 0.00138 and 0.00144.
gnomAD v4.1: 1,132 of 1,171,572 alleles (0.097%); highest among the groups gnomAD compares: Non-Finnish European, 0.047%; 5 homozygotes.

Submission:

GeneDx
Classification: Likely benign. Last evaluated: 2018-06-16. Review status: criteria provided, single submitter. Criteria: GeneDx Variant Classification (06012015). Collection method: clinical testing. Allele origin: germline. Affected: yes.
Comment: This variant is considered likely benign or benign based on one or more of the following criteria: it is a conservative change, it occurs at a poorly conserved position in the protein, it is predicted to be benign by multiple in silico algorithms, and/or has population frequency not consistent with disease.